The following is an entry in ClinVar:

ClinVar aggregate classification (germline): Uncertain significance. Review status: criteria provided, multiple submitters, no conflicts (2 of 4 stars). 2 submissions from 2 submitters: Uncertain significance (2). Last evaluated 2025-12-27.

Allele frequency attached by ClinVar (database versions not stated): TOPMed 0.00001; ESP Exome Variant Server 0.00008.

Submissions (2):

Labcorp Genetics (formerly Invitae), Labcorp
Classification: Uncertain significance. Last evaluated: 2025-12-27. Review status: criteria provided, single submitter. Criteria: Invitae Variant Classification Sherloc (09022015). Collection method: clinical testing. Allele origin: germline.
Comment: This sequence change replaces arginine, which is basic and polar, with serine, which is neutral and polar, at codon 383 of the GATA5 protein (p.Arg383Ser). This variant is present in population databases (rs148724629, gnomAD 0.004%). This variant has not been reported in the literature in individuals affected with GATA5-related conditions. ClinVar contains an entry for this variant (Variation ID: 1448489). An algorithm developed to predict the effect of missense changes on protein structure and function outputs the following: PolyPhen-2: "Benign". The serine amino acid residue is found in multiple mammalian species, which suggests that this missense change does not adversely affect protein function. In summary, the available evidence is currently insufficient to determine the role of this variant in disease. Therefore, it has been classified as a Variant of Uncertain Significance.

GeneDx
Classification: Uncertain significance. Last evaluated: 2024-10-17. Review status: criteria provided, single submitter. Criteria: GeneDx Variant Classification Process June 2021. Collection method: clinical testing. Allele origin: germline. Affected: yes.
Comment: Has not been previously published as pathogenic or benign to our knowledge; Not observed at significant frequency in large population cohorts (gnomAD); In silico analysis indicates that this missense variant does not alter protein structure/function

NM_080473.5(GATA5):c.1149G>C (p.Arg383Ser)

Gene: GATA5 (GATA binding protein 5; minus strand). Cytogenetic location: 20q13.33.
Variant type: single nucleotide variant.
Coding change: c.1149G>C on transcript NM_080473.5 (MANE Select); coding-DNA position 1149, G replaced by C.
Protein change: p.Arg383Ser; replaces arginine 383 with serine.
Molecular consequence: missense variant.
Genome position (GRCh38, 1-based): chr20:62,464,881, C>G on the plus strand (G>C on the coding strand, the complement: GATA5 is on the minus strand). VCF-style: chr20-62464881-C-G. GRCh37 (hg19) VCF-style: chr20-61039937-C-G.
Other names: c.1149G>C (NM_080473.4); short protein forms R383S.
Identifiers: ClinVar variation 1448489 (VCV001448489.7), dbSNP rs148724629, ClinGen allele CA9946022.